The following is an entry in ClinVar:

ClinVar aggregate classification (germline): Uncertain significance (1 of 4 stars; one submission).

Conditions:
Mosaic variegated aneuploidy syndrome 2 (MVA2). Identifiers: Orphanet 1052, MedGen C3279843, MONDO:0013582, OMIM 614114.

Submission:

Labcorp Genetics (formerly Invitae), Labcorp
Classification: Uncertain significance for Mosaic variegated aneuploidy syndrome 2. Last evaluated: 2024-05-12. Review status: criteria provided, single submitter. Criteria: Invitae Variant Classification Sherloc (09022015). Collection method: clinical testing. Allele origin: germline.
Comment: This sequence change replaces serine, which is neutral and polar, with threonine, which is neutral and polar, at codon 264 of the CEP57 protein (p.Ser264Thr). This variant is not present in population databases (gnomAD no frequency). This variant has not been reported in the literature in individuals affected with CEP57-related conditions. Advanced modeling of protein sequence and biophysical properties (such as structural, functional, and spatial information, amino acid conservation, physicochemical variation, residue mobility, and thermodynamic stability) performed at Invitae indicates that this missense variant is not expected to disrupt CEP57 protein function with a negative predictive value of 80%. In summary, the available evidence is currently insufficient to determine the role of this variant in disease. Therefore, it has been classified as a Variant of Uncertain Significance.

NM_014679.5(CEP57):c.790T>A (p.Ser264Thr)

Gene: CEP57 (centrosomal protein 57; plus strand). Cytogenetic location: 11q21.
Variant type: single nucleotide variant.
Coding change: c.790T>A on transcript NM_014679.5 (MANE Select); coding-DNA position 790, T replaced by A.
Protein change: p.Ser264Thr; replaces serine 264 with threonine.
Molecular consequence: missense variant.
Genome position (GRCh38, 1-based): chr11:95,821,961, T>A. VCF-style: chr11-95821961-T-A. GRCh37 (hg19) VCF-style: chr11-95555125-T-A.
Other names: c.763T>A, p.Ser255Thr (NM_001243776.2); c.790T>A, p.Ser264Thr (NM_001243777.2); c.709T>A, p.Ser237Thr (NM_001363604.2); short protein forms S255T, S264T, S237T.
Identifiers: ClinVar variation 3704274 (VCV003704274.2).
Genomic context (GRCh38, chr11:95,821,961, plus strand): 5'-ATCTTTGAAGATAAGGCAACTCCGTGTGTTCCCAATGCAAGAAGAATTAAAAAAAAGAAG[T>A]CAAAACCACCAGAAAAGGTGTGAAGACAGAACCAAATCAGGCAAAATGCTGATTACTTGG-3'
Protein context (NP_055494.2, residues 254-274): PNARRIKKKK[Ser264Thr]KPPEKKSSRN